The following is an entry in ClinVar:

NM_000051.4(ATM):c.5983G>A (p.Glu1995Lys)

Genes: ATM (ATM serine/threonine kinase; plus strand), C11orf65 (chromosome 11 open reading frame 65; minus strand). Cytogenetic location: 11q22.3.
Variant type: single nucleotide variant.
Coding change: c.5983G>A on transcript NM_000051.4 (MANE Select); coding-DNA position 5983, G replaced by A.
Protein change: p.Glu1995Lys; replaces glutamic acid 1995 with lysine.
Molecular consequence: missense variant. On other transcripts: intron variant (2).
Genome position (GRCh38, 1-based): chr11:108,312,475, G>A. VCF-style: chr11-108312475-G-A. GRCh37 (hg19) VCF-style: chr11-108183202-G-A.
Other names: c.5983G>A, p.Glu1995Lys (NM_001351834.2); c.641-3404C>T (NM_001330368.2); c.*39-3404C>T (NM_001351110.2); short protein forms E1995K.
Identifiers: ClinVar variation 453607 (VCV000453607.17), dbSNP rs1555111886, ClinGen allele CA382548764.

ClinVar aggregate classification (germline): Uncertain significance. Review status: criteria provided, multiple submitters, no conflicts (2 of 4 stars). 3 submissions from 3 submitters: Uncertain significance (3). Last evaluated 2025-03-05.

Conditions:
Hereditary cancer-predisposing syndrome. Also called: Neoplastic Syndromes, Hereditary; Hereditary Cancer Syndrome; Tumor predisposition; Hereditary neoplastic syndrome. Identifiers: Orphanet 140162, MedGen C0027672, MeSH D009386, MONDO:0015356.
Ataxia-telangiectasia syndrome (AT). Also called: LOUIS-BAR SYNDROME; Cerebello-oculocutaneous telangiectasia; Immunodeficiency with ataxia telangiectasia; Ataxia-telangiectasia, complementation group D; AT, COMPLEMENTATION GROUP C; Ataxia-telangiectasia, complementation group E. Identifiers: Orphanet 100, MedGen C0004135, MONDO:0008840, OMIM 208900.

Allele frequency attached by ClinVar (database versions not stated): gnomAD exomes below 0.00001.
gnomAD v4.1: 1 of 1,579,972 alleles (0.000063%); highest among the groups gnomAD compares: Non-Finnish European, 0.000087%; no homozygotes.

Submissions (3):

Ambry Genetics
Classification: Uncertain significance for Hereditary cancer-predisposing syndrome. Last evaluated: 2025-03-05. Review status: criteria provided, single submitter. Criteria: Ambry Variant Classification Scheme 2023. Collection method: clinical testing. Allele origin: germline.
Comment: The p.E1995K variant (also known as c.5983G>A), located in coding exon 39 of the ATM gene, results from a G to A substitution at nucleotide position 5983. The glutamic acid at codon 1995 is replaced by lysine, an amino acid with similar properties. This amino acid position is highly conserved in available vertebrate species. In addition, the in silico prediction for this alteration is inconclusive. Based on the available evidence, the clinical significance of this variant remains unclear.

Color Diagnostics, LLC DBA Color Health
Classification: Uncertain significance for Hereditary cancer-predisposing syndrome. Last evaluated: 2024-03-06. Review status: criteria provided, single submitter. Criteria: ACMG Guidelines, 2015. Collection method: clinical testing. Allele origin: germline.
Comment: This missense variant replaces glutamic acid with lysine at codon 1995 of the ATM protein. Computational prediction suggests that this variant may not impact protein structure and function (internally defined REVEL score threshold <= 0.5, PMID: 27666373). Splice site prediction tools suggest that this variant may not impact RNA splicing. To our knowledge, functional studies have not been reported for this variant. This variant has not been reported in individuals affected with hereditary cancer in the literature. This variant has not been identified in the general population by the Genome Aggregation Database (gnomAD). The available evidence is insufficient to determine the role of this variant in disease conclusively. Therefore, this variant is classified as a Variant of Uncertain Significance.

Labcorp Genetics (formerly Invitae), Labcorp
Classification: Uncertain significance for Ataxia-telangiectasia syndrome. Last evaluated: 2017-01-18. Review status: criteria provided, single submitter. Criteria: Invitae Variant Classification Sherloc (09022015). Collection method: clinical testing. Allele origin: germline.
Comment: In summary, this variant is a novel missense change with uncertain impact on protein function. It has been classified as a Variant of Uncertain Significance. Algorithms developed to predict the effect of missense changes on protein structure and function do not agree on the potential impact of this missense change (SIFT: "Tolerated"; PolyPhen-2: "Possibly Damaging"; Align-GVGD: "Class C0"). This variant is not present in population databases (ExAC no frequency) and has not been reported in the literature in individuals with an ATM-related disease. This sequence change replaces glutamic acid with lysine at codon 1995 of the ATM protein (p.Glu1995Lys). The glutamic acid residue is moderately conserved and there is a small physicochemical difference between glutamic acid and lysine.